The following is an entry in ClinVar:

ClinVar aggregate classification (germline): Benign (1 of 4 stars; one submission).

Conditions:
DICER1-related tumor predisposition. Also called: DICER1-related pleuropulmonary blastoma cancer predisposition syndrome; DICER1 syndrome. Identifiers: Orphanet 284343, MedGen C3839822, MONDO:0100216.

Allele frequency attached by ClinVar (database versions not stated): gnomAD exomes 0.00156; gnomAD 0.00656 and 0.00710; TOPMed 0.00704; 1000 Genomes Project 0.00839; 1000 Genomes Project 30x 0.00968.
gnomAD v4.1: 1,121 of 232,812 alleles (0.48%); highest among the groups gnomAD compares: African/African-American, 2.3%; 11 homozygotes.

Submission:

Illumina Laboratory Services, Illumina
Classification: Benign for Pleuropulmonary blastoma. Last evaluated: 2018-01-12. Review status: criteria provided, single submitter. Criteria: ICSL Variant Classification Criteria 13 December 2019. Collection method: clinical testing. Allele origin: germline.
Comment: This variant was observed in the ICSL laboratory as part of a predisposition screen in an ostensibly healthy population. It had not been previously curated by ICSL or reported in the Human Gene Mutation Database (HGMD: prior to June 1st, 2018), and was therefore a candidate for classification through an automated scoring system. Utilizing variant allele frequency, disease prevalence and penetrance estimates, and inheritance mode, an automated score was calculated to assess if this variant is too frequent to cause the disease. Based on the score and internal cut-off values, a variant classified as benign is not then subjected to further curation. The score for this variant resulted in a classification of benign for this disease.

NM_177438.3(DICER1):c.*3341C>T

Gene: DICER1 (dicer 1, ribonuclease III; minus strand). Cytogenetic location: 14q32.13.
Variant type: single nucleotide variant.
Coding change: c.*3341C>T on transcript NM_177438.3 (MANE Select); 3341 bases downstream of the stop codon, C replaced by T.
Molecular consequence: 3 prime UTR variant.
Genome position (GRCh38, 1-based): chr14:95,087,157, G>A on the plus strand (C>T on the coding strand, the complement: DICER1 is on the minus strand). VCF-style: chr14-95087157-G-A. GRCh37 (hg19) VCF-style: chr14-95553494-G-A.
Other names: c.*3457C>T (NM_001195573.1); c.*3341C>T (NM_001271282.3, NM_001291628.2, NM_030621.4).
Identifiers: ClinVar variation 315052 (VCV000315052.6), dbSNP rs113050387, ClinGen allele CA10645431.